The following is an entry in ClinVar:

ClinVar aggregate classification (germline): Uncertain significance (1 of 4 stars; one submission).

Conditions:
Congenital myasthenic syndrome 8. Also called: MYASTHENIC SYNDROME, CONGENITAL, DUE TO AGRIN DEFICIENCY; Myasthenic syndrome, congenital, 8, with pre- and postsynaptic defects. Identifiers: Orphanet 590, MedGen C3808739, MONDO:0014052, OMIM 615120.

Submission:

Labcorp Genetics (formerly Invitae), Labcorp
Classification: Uncertain significance for Congenital myasthenic syndrome 8. Last evaluated: 2019-09-29. Review status: criteria provided, single submitter. Criteria: Invitae Variant Classification Sherloc (09022015). Collection method: clinical testing. Allele origin: germline.
Comment: This variant is not present in population databases (ExAC no frequency). This variant, c.6065_6067del, results in the deletion of 1 amino acid(s) of the AGRN protein (p.Val2022del), but otherwise preserves the integrity of the reading frame. This variant has not been reported in the literature in individuals with AGRN-related conditions. In summary, the available evidence is currently insufficient to determine the role of this variant in disease. Therefore, it has been classified as a Variant of Uncertain Significance. Experimental studies and prediction algorithms are not available or were not evaluated, and the functional significance of this variant is currently unknown.

NM_198576.4(AGRN):c.6059TGG[2] (p.Val2022del)

Gene: AGRN (agrin; plus strand). Cytogenetic location: 1p36.33.
Variant type: Microsatellite.
Coding change: c.6059TGG[2] on transcript NM_198576.4 (MANE Select); two copies in a row of the 3-base unit TGG starting at c.6059; the reference has three copies in a row; one copy, 3 bases deleted.
Protein change: p.Val2022del; deletes valine 2022.
Molecular consequence: inframe deletion.
Genome position (GRCh38, 1-based): chr1:1,054,908-1,054,910, TGG deleted; deleting any 3 consecutive bases within chr1:1,054,901-1,054,910 gives the same sequence; the position shown is the placement nearest the transcript's 3' end. VCF-style (leftmost placement, unchanged base first): chr1-1054900-CGTG-C. GRCh37 (hg19) VCF-style: chr1-990280-CGTG-C.
Other names: c.6128TGG[2], p.Val2045del (NM_001305275.2); c.5756TGG[2], p.Val1921del (NM_001364727.2); short protein forms V2045del, V1921del, V2022del.
Identifiers: ClinVar variation 967733 (VCV000967733.6), dbSNP rs1645411691, ClinGen allele CA1148778885.
Genomic context (GRCh38, chr1:1,054,900, plus strand): 5'-GCCCGTGGGCCCAGCACTGCCCAAGGCCTACGGCACAGGCTTTGTGGGCTGCTTGCGGGA[CGTG>C]GTGGTGGGCCGGCACCCGCTGCACCTGCTGGAGGACGCCGTCACCAAGCCAGAGCTGCGG-3'